The following is an entry in ClinVar:

NM_012096.3(APPL1):c.256T>C (p.Leu86=)

Gene: APPL1 (adaptor protein, phosphotyrosine interacting with PH domain and leucine zipper 1; plus strand). Cytogenetic location: 3p14.3.
Variant type: single nucleotide variant.
Coding change: c.256T>C on transcript NM_012096.3 (MANE Select); coding-DNA position 256, T replaced by C.
Protein change: p.Leu86=; no amino-acid change (leucine 86 retained).
Molecular consequence: synonymous variant.
Genome position (GRCh38, 1-based): chr3:57,238,087, T>C. VCF-style: chr3-57238087-T-C. GRCh37 (hg19) VCF-style: chr3-57272115-T-C.
Identifiers: ClinVar variation 713805 (VCV000713805.52), dbSNP rs147166062, ClinGen allele CA2463452.

ClinVar aggregate classification (germline): Benign/Likely benign. Review status: criteria provided, multiple submitters, no conflicts (2 of 4 stars). 9 submissions from 9 submitters: Benign (6); Likely benign (2). 1 of the submissions does not count toward it. Last evaluated 2026-02-01.

Conditions:
APPL1-related disorder. Also called: APPL1-related condition.
Maturity-onset diabetes of the young type 14. Also called: MODY 14. Identifiers: Orphanet 552, MedGen C4225299, MONDO:0014674, OMIM 616511.

Allele frequency attached by ClinVar (database versions not stated): 1000 Genomes Project 30x 0.00172; 1000 Genomes Project 0.00180; TOPMed 0.00363; gnomAD 0.00480 and 0.00501; ESP Exome Variant Server 0.00484; gnomAD exomes 0.00567 and 0.00572; ExAC 0.00643.
gnomAD v4.1: 8,964 of 1,611,706 alleles (0.56%); highest among the groups gnomAD compares: Non-Finnish European, 0.61%; 42 homozygotes.

Submissions (9):

CeGaT Center for Human Genetics Tuebingen
Classification: Likely benign. Last evaluated: 2026-02-01. Review status: criteria provided, single submitter. Criteria: CeGaT Center For Human Genetics Tuebingen Variant Classification Criteria Version 2. Collection method: clinical testing. Allele origin: germline. Affected: yes. Observed: 4 variant alleles.
Comment: APPL1: BP4, BP7, BS2

Labcorp Genetics (formerly Invitae), Labcorp
Classification: Benign. Last evaluated: 2025-12-28. Review status: criteria provided, single submitter. Criteria: Invitae Variant Classification Sherloc (09022015). Collection method: clinical testing. Allele origin: germline.

ARUP Laboratories, Molecular Genetics and Genomics, ARUP Laboratories
Classification: Benign for Maturity-onset diabetes of the young type 14. Last evaluated: 2025-05-01. Review status: criteria provided, single submitter. Criteria: ARUP Molecular Germline Variant Investigation Process 2024. Collection method: clinical testing. Allele origin: germline.

Fulgent Genetics
Classification: Likely benign for Maturity-onset diabetes of the young type 14. Last evaluated: 2021-11-29. Review status: criteria provided, single submitter. Criteria: ACMG Guidelines, 2015. Collection method: clinical testing. Allele origin: unknown.

Women's Health and Genetics/Laboratory Corporation of America, LabCorp
Classification: Benign. Last evaluated: 2021-07-08. Review status: criteria provided, single submitter. Criteria: LabCorp Variant Classification Summary - May 2015. Collection method: clinical testing. Allele origin: germline.

Genetic Services Laboratory, University of Chicago
Classification: Benign. Last evaluated: 2021-03-29. Review status: criteria provided, single submitter. Criteria: ACMG Guidelines, 2015. Collection method: clinical testing. Allele origin: germline. Affected: no.

GeneDx
Classification: Benign. Last evaluated: 2020-05-20. Review status: criteria provided, single submitter. Criteria: GeneDx Variant Classification Process June 2021. Collection method: clinical testing. Allele origin: germline. Affected: yes.

Breakthrough Genomics
Classification: Benign. Review status: criteria provided, single submitter. Criteria: ACMG Guidelines, 2015. Collection method: not provided. Allele origin: germline. Inheritance: Autosomal dominant inheritance. Affected: yes.

PreventionGenetics, part of Exact Sciences
Classification: Benign for APPL1-related condition. Last evaluated: 2019-04-25. Review status: no assertion criteria provided. Collection method: clinical testing. Allele origin: germline. Not counted in ClinVar's aggregate classification.
Comment: This variant is classified as benign based on ACMG/AMP sequence variant interpretation guidelines (Richards et al. 2015 PMID: 25741868, with internal and published modifications).